The following is an entry in ClinVar:

NM_001145026.2(PTPRQ):c.263C>T (p.Ser88Phe)

Gene: PTPRQ (protein tyrosine phosphatase receptor type Q; plus strand). Cytogenetic location: 12q21.31.
Variant type: single nucleotide variant.
Coding change: c.263C>T on transcript NM_001145026.2 (MANE Select); coding-DNA position 263, C replaced by T.
Protein change: p.Ser88Phe; replaces serine 88 with phenylalanine.
Molecular consequence: missense variant.
Genome position (GRCh38, 1-based): chr12:80,445,590, C>T. VCF-style: chr12-80445590-C-T. GRCh37 (hg19) VCF-style: chr12-80839370-C-T.
Other names: short protein forms S88F.
Identifiers: ClinVar variation 3393664 (VCV003393664.1).

ClinVar aggregate classification (germline): Uncertain significance (1 of 4 stars; one submission).

gnomAD v4.1: 6 of 1,549,020 alleles (0.00039%); highest among the groups gnomAD compares: Admixed American, 0.0079%; no homozygotes.

Submission:

GeneDx
Classification: Uncertain significance. Last evaluated: 2024-07-01. Review status: criteria provided, single submitter. Criteria: GeneDx Variant Classification Process June 2021. Collection method: clinical testing. Allele origin: germline. Affected: yes.
Comment: In silico analysis supports that this missense variant has a deleterious effect on protein structure/function; Has not been previously published as pathogenic or benign to our knowledge